The following is an entry in ClinVar:

NM_001001557.4(GDF6):c.316T>C (p.Ser106Pro)

Gene: GDF6 (growth differentiation factor 6; minus strand). Cytogenetic location: 8q22.1.
Variant type: single nucleotide variant.
Coding change: c.316T>C on transcript NM_001001557.4 (MANE Select); coding-DNA position 316, T replaced by C.
Protein change: p.Ser106Pro; replaces serine 106 with proline.
Molecular consequence: missense variant.
Genome position (GRCh38, 1-based): chr8:96,160,377, A>G on the plus strand (T>C on the coding strand, the complement: GDF6 is on the minus strand). VCF-style: chr8-96160377-A-G. GRCh37 (hg19) VCF-style: chr8-97172605-A-G.
Other names: short protein forms S106P.
Identifiers: ClinVar variation 3748928 (VCV003748928.2).

ClinVar aggregate classification (germline): Uncertain significance (1 of 4 stars; one submission).

Conditions:
Klippel-Feil syndrome 1, autosomal dominant (KFS1). Also called: CERVICAL VERTEBRAL FUSION, AUTOSOMAL DOMINANT. Identifiers: Orphanet 2345, MedGen C1861689, MONDO:0007306, OMIM 118100.
Isolated microphthalmia 4. Identifiers: Orphanet 2542, MedGen C2751307, MONDO:0013130, OMIM 613094.
Leber congenital amaurosis 17 (LCA17). Identifiers: Orphanet 65, MedGen C3715164, MONDO:0014145, OMIM 615360.
Microphthalmia, isolated, with coloboma 6 (MCOPCB6). Also called: Microphthalmia with coloboma 6, digenic; Microphthalmia with coloboma 6; MICROPHTHALMIA/COLOBOMA 6. Identifiers: Orphanet 98938, MedGen C3150968, MONDO:0013376, OMIM 613703.

Submission:

Labcorp Genetics (formerly Invitae), Labcorp
Classification: Uncertain significance for Isolated microphthalmia 4; Leber congenital amaurosis 17; Klippel-Feil syndrome 1, autosomal dominant; Microphthalmia, isolated, with coloboma 6. Last evaluated: 2024-06-11. Review status: criteria provided, single submitter. Criteria: Invitae Variant Classification Sherloc (09022015). Collection method: clinical testing. Allele origin: germline.
Comment: This sequence change replaces serine, which is neutral and polar, with proline, which is neutral and non-polar, at codon 106 of the GDF6 protein (p.Ser106Pro). This variant is present in population databases (rs751465124, gnomAD 0.0009%). This variant has not been reported in the literature in individuals affected with GDF6-related conditions. Advanced modeling of protein sequence and biophysical properties (such as structural, functional, and spatial information, amino acid conservation, physicochemical variation, residue mobility, and thermodynamic stability) performed at Invitae indicates that this missense variant is expected to disrupt GDF6 protein function with a positive predictive value of 80%. In summary, the available evidence is currently insufficient to determine the role of this variant in disease. Therefore, it has been classified as a Variant of Uncertain Significance.